The following is an entry in ClinVar:

NM_206933.4(USH2A):c.12145G>T (p.Ala4049Ser)

Gene: USH2A (usherin; minus strand). Cytogenetic location: 1q41.
Variant type: single nucleotide variant.
Coding change: c.12145G>T on transcript NM_206933.4 (MANE Select); coding-DNA position 12145, G replaced by T.
Protein change: p.Ala4049Ser; replaces alanine 4049 with serine.
Molecular consequence: missense variant.
Genome position (GRCh38, 1-based): chr1:215,680,298, C>A on the plus strand (G>T on the coding strand, the complement: USH2A is on the minus strand). VCF-style: chr1-215680298-C-A. GRCh37 (hg19) VCF-style: chr1-215853640-C-A.
Other names: short protein forms A4049S.
Identifiers: ClinVar variation 2111758 (VCV002111758.1), dbSNP rs143696882, ClinGen allele CA344816514.

ClinVar aggregate classification (germline): Uncertain significance (1 of 4 stars; one submission).

Submission:

Labcorp Genetics (formerly Invitae), Labcorp
Classification: Uncertain significance. Last evaluated: 2022-03-14. Review status: criteria provided, single submitter. Criteria: Invitae Variant Classification Sherloc (09022015). Collection method: clinical testing. Allele origin: germline.
Comment: This sequence change replaces alanine, which is neutral and non-polar, with serine, which is neutral and polar, at codon 4049 of the USH2A protein (p.Ala4049Ser). This variant is not present in population databases (gnomAD no frequency). This variant has not been reported in the literature in individuals affected with USH2A-related conditions. Algorithms developed to predict the effect of missense changes on protein structure and function (SIFT, PolyPhen-2, Align-GVGD) all suggest that this variant is likely to be disruptive. This variant disrupts the p.Ala4049 amino acid residue in USH2A. Other variant(s) that disrupt this residue have been determined to be pathogenic (PMID: 28041643; Invitae). This suggests that this residue is clinically significant, and that variants that disrupt this residue are likely to be disease-causing. In summary, the available evidence is currently insufficient to determine the role of this variant in disease. Therefore, it has been classified as a Variant of Uncertain Significance.

Literature cited by the submitters: PubMed 28041643.